The following is an entry in ClinVar:

NM_000540.3(RYR1):c.7777C>T (p.Arg2593Cys)

Gene: RYR1 (ryanodine receptor 1; plus strand). Cytogenetic location: 19q13.2.
Variant type: single nucleotide variant.
Coding change: c.7777C>T on transcript NM_000540.3 (MANE Select); coding-DNA position 7777, C replaced by T.
Protein change: p.Arg2593Cys; replaces arginine 2593 with cysteine.
Molecular consequence: missense variant.
Genome position (GRCh38, 1-based): chr19:38,502,669, C>T. VCF-style: chr19-38502669-C-T. GRCh37 (hg19) VCF-style: chr19-38993309-C-T.
Other names: c.7777C>T, p.Arg2593Cys (NM_001042723.2); short protein forms R2593C.
Identifiers: ClinVar variation 3069421 (VCV003069421.4), dbSNP rs756685891, ClinGen allele CA070217.
Genomic context (GRCh38, chr19:38,502,669, plus strand): 5'-GAACACCGCGCCATCATGGTGGACTCTATGCTGCATACCGTGTACCGCCTGTCTCGGGGT[C>T]GTTCGCTCACCAAGGCGCAGCGTGACGTCATCGAGGACTGCCTCATGTCGCTCTGCAGGT-3'
Protein context (NP_000531.2, residues 2583-2603): LHTVYRLSRG[Arg2593Cys]SLTKAQRDVI

ClinVar aggregate classification (germline): Uncertain significance. Review status: criteria provided, multiple submitters, no conflicts (2 of 4 stars). 3 submissions from 3 submitters: Uncertain significance (3). Last evaluated 2024-07-23.

Conditions:
RYR1-related disorder. Also called: RYR1-related condition; RYR1-related disorders. Identifiers: MedGen CN239331.
Malignant hyperthermia, susceptibility to, 1 (MHS1). Also called: RYR1-Related Malignant Hyperthermia Susceptibility; Anesthesia related hyperthermia; Malignant hyperpyrexia; Fulminating hyperpyrexia; Pharmacogenic myopathy; Malignant hyperthermia suceptibility 1. Identifiers: Orphanet 423, MedGen C2930980, MONDO:0007783, OMIM 145600.

Allele frequency attached by ClinVar (database versions not stated): ExAC 0.00001.
gnomAD v4.1: 17 of 1,610,328 alleles (0.0011%); highest among the groups gnomAD compares: East Asian, 0.0045%; no homozygotes.

Submissions (3):

Color Diagnostics, LLC DBA Color Health
Classification: Uncertain significance for Malignant hyperthermia, susceptibility to, 1. Last evaluated: 2024-07-23. Review status: criteria provided, single submitter. Criteria: ACMG Guidelines, 2015. Collection method: clinical testing. Allele origin: germline.
Comment: This missense variant replaces arginine with cysteine at codon 2593 of the RYR1 protein. Computational prediction suggests that this variant may have deleterious impact on protein structure and function. To our knowledge, functional studies have not been reported for this variant. This variant has not been reported in individuals affected with RYR1-related disorders in the literature. This variant has been identified in 4/280868 chromosomes in the general population by the Genome Aggregation Database (gnomAD). The available evidence is insufficient to determine the role of this variant in disease conclusively. Therefore, this variant is classified as a Variant of Uncertain Significance.

Labcorp Genetics (formerly Invitae), Labcorp
Classification: Uncertain significance for RYR1-related disorder. Last evaluated: 2024-07-02. Review status: criteria provided, single submitter. Criteria: Invitae Variant Classification Sherloc (09022015). Collection method: clinical testing. Allele origin: germline.
Comment: This sequence change replaces arginine, which is basic and polar, with cysteine, which is neutral and slightly polar, at codon 2593 of the RYR1 protein (p.Arg2593Cys). This variant is present in population databases (rs756685891, gnomAD 0.003%). This variant has not been reported in the literature in individuals affected with RYR1-related conditions. Advanced modeling of protein sequence and biophysical properties (such as structural, functional, and spatial information, amino acid conservation, physicochemical variation, residue mobility, and thermodynamic stability) has been performed at Invitae for this missense variant, however the output from this modeling did not meet the statistical confidence thresholds required to predict the impact of this variant on RYR1 protein function. This variant disrupts the p.Arg2593 amino acid residue in RYR1. Other variant(s) that disrupt this residue have been determined to be pathogenic (PMID: 20681998). This suggests that this residue is clinically significant, and that variants that disrupt this residue are likely to be disease-causing. In summary, the available evidence is currently insufficient to determine the role of this variant in disease. Therefore, it has been classified as a Variant of Uncertain Significance.

All of Us Research Program, National Institutes of Health
Classification: Uncertain significance for Malignant hyperthermia, susceptibility to, 1. Last evaluated: 2023-02-10. Review status: criteria provided, single submitter. Criteria: ACMG Guidelines, 2015. Collection method: clinical testing. Allele origin: germline. Inheritance: Autosomal dominant inheritance. Observed: 1 variant allele, 1 heterozygote.
Comment: This study involves interpretation of variants in research participants for the purpose of population health screening. Participant phenotype was not available at the time of variant classification. Additional details can be found in publication PMID: 35346344, PMCID: PMC8962531

Literature cited by the submitters: PubMed 20681998 (cited by Labcorp Genetics (formerly Invitae), Labcorp).